The following is an entry in ClinVar:

NM_001033044.4(GLUL):c.1093G>A (p.Gly365Ser)

Gene: GLUL (glutamate-ammonia ligase; minus strand). Cytogenetic location: 1q25.3.
Variant type: single nucleotide variant.
Coding change: c.1093G>A on transcript NM_001033044.4 (MANE Select); coding-DNA position 1093, G replaced by A.
Protein change: p.Gly365Ser; replaces glycine 365 with serine.
Molecular consequence: missense variant.
Genome position (GRCh38, 1-based): chr1:182,384,434, C>T on the plus strand (G>A on the coding strand, the complement: GLUL is on the minus strand). VCF-style: chr1-182384434-C-T. GRCh37 (hg19) VCF-style: chr1-182353569-C-T.
Other names: c.1093G>A, p.Gly365Ser (NM_001033056.4, NM_002065.7); short protein forms G365S.
Identifiers: ClinVar variation 874974 (VCV000874974.6), dbSNP rs754863423, ClinGen allele CA1276963.

ClinVar aggregate classification (germline): Uncertain significance. Review status: criteria provided, multiple submitters, no conflicts (2 of 4 stars). 2 submissions from 2 submitters: Uncertain significance (2). Last evaluated 2024-10-10.

Conditions:
Congenital brain dysgenesis due to glutamine synthetase deficiency (GLND). Also called: GLUTAMINE SYNTHASE DEFICIENCY, CONGENITAL SYSTEMIC. Identifiers: Orphanet 71278, MedGen C1864910, MONDO:0012393, OMIM 610015.

Allele frequency attached by ClinVar (database versions not stated): TOPMed below 0.00001; ExAC 0.00001; gnomAD 0.00001; gnomAD exomes 0.00001.
gnomAD v4.1: 17 of 1,613,480 alleles (0.0011%); highest among the groups gnomAD compares: South Asian, 0.0033%; no homozygotes.

Submissions (2):

Labcorp Genetics (formerly Invitae), Labcorp
Classification: Uncertain significance for Congenital brain dysgenesis due to glutamine synthetase deficiency. Last evaluated: 2024-10-10. Review status: criteria provided, single submitter. Criteria: Invitae Variant Classification Sherloc (09022015). Collection method: clinical testing. Allele origin: germline.
Comment: This sequence change replaces glycine, which is neutral and non-polar, with serine, which is neutral and polar, at codon 365 of the GLUL protein (p.Gly365Ser). This variant is present in population databases (rs754863423, gnomAD 0.01%). This variant has not been reported in the literature in individuals affected with GLUL-related conditions. ClinVar contains an entry for this variant (Variation ID: 874974). An algorithm developed to predict the effect of missense changes on protein structure and function (PolyPhen-2) suggests that this variant is likely to be tolerated. In summary, the available evidence is currently insufficient to determine the role of this variant in disease. Therefore, it has been classified as a Variant of Uncertain Significance.

Illumina Laboratory Services, Illumina
Classification: Uncertain significance for Congenital brain dysgenesis due to glutamine synthetase deficiency. Last evaluated: 2018-01-13. Review status: criteria provided, single submitter. Criteria: ICSL Variant Classification Criteria 13 December 2019. Collection method: clinical testing. Allele origin: germline.